The following is an entry in ClinVar:

ClinVar aggregate classification (germline): Uncertain significance. Review status: criteria provided, multiple submitters, no conflicts (2 of 4 stars). 3 submissions from 3 submitters: Uncertain significance (3). Last evaluated 2023-12-06.

Conditions:
Hereditary cancer-predisposing syndrome. Also called: Hereditary Cancer Syndrome; Hereditary neoplastic syndrome; Neoplastic Syndromes, Hereditary; Tumor predisposition. Identifiers: Orphanet 140162, MedGen C0027672, MeSH D009386, MONDO:0015356.
Familial cancer of breast. Also called: hereditary breast carcinoma; BREAST CANCER, FAMILIAL; Hereditary breast cancer. Identifiers: Orphanet 227535, MedGen C0346153, MONDO:0016419, OMIM 114480. Disease mechanism: loss of function.
Fanconi anemia complementation group J. Also called: BRIP1-Related Fanconi Anemia. Identifiers: Orphanet 84, MedGen C1836860, MONDO:0012187, OMIM 609054.

Submissions (3):

Color Diagnostics, LLC DBA Color Health
Classification: Uncertain significance for Hereditary cancer-predisposing syndrome. Last evaluated: 2023-12-06. Review status: criteria provided, single submitter. Criteria: ACMG Guidelines, 2015. Collection method: clinical testing. Allele origin: germline.
Comment: This missense variant replaces threonine with serine at codon 250 of the BRIP1 protein. Computational prediction suggests that this variant may not impact protein structure and function (internally defined REVEL score threshold <= 0.5, PMID: 27666373). To our knowledge, functional studies have not been reported for this variant. This variant has been reported in an individual affected with colon cancer (PMID: 37306523). This variant has not been identified in the general population by the Genome Aggregation Database (gnomAD). The available evidence is insufficient to determine the role of this variant in disease conclusively. Therefore, this variant is classified as a Variant of Uncertain Significance.

Labcorp Genetics (formerly Invitae), Labcorp
Classification: Uncertain significance for Familial cancer of breast; Fanconi anemia complementation group J. Last evaluated: 2023-10-22. Review status: criteria provided, single submitter. Criteria: Invitae Variant Classification Sherloc (09022015). Collection method: clinical testing. Allele origin: germline.
Comment: This sequence change replaces threonine, which is neutral and polar, with serine, which is neutral and polar, at codon 250 of the BRIP1 protein (p.Thr250Ser). This variant is not present in population databases (gnomAD no frequency). This variant has not been reported in the literature in individuals affected with BRIP1-related conditions. ClinVar contains an entry for this variant (Variation ID: 921182). Advanced modeling of protein sequence and biophysical properties (such as structural, functional, and spatial information, amino acid conservation, physicochemical variation, residue mobility, and thermodynamic stability) performed at Invitae indicates that this missense variant is not expected to disrupt BRIP1 protein function. In summary, the available evidence is currently insufficient to determine the role of this variant in disease. Therefore, it has been classified as a Variant of Uncertain Significance.

Ambry Genetics
Classification: Uncertain significance for Hereditary cancer-predisposing syndrome. Last evaluated: 2023-06-10. Review status: criteria provided, single submitter. Criteria: Ambry Variant Classification Scheme 2023. Collection method: clinical testing. Allele origin: germline.
Comment: The p.T250S variant (also known as c.748A>T), located in coding exon 6 of the BRIP1 gene, results from an A to T substitution at nucleotide position 748. The threonine at codon 250 is replaced by serine, an amino acid with similar properties. This amino acid position is conserved. In addition, the in silico prediction for this alteration is inconclusive. Since supporting evidence is limited at this time, the clinical significance of this alteration remains unclear.

Literature cited by the submitters: PubMed 37306523 (cited by Color Diagnostics, LLC DBA Color Health).

NM_032043.3(BRIP1):c.748A>T (p.Thr250Ser)

Gene: BRIP1 (BRCA1 interacting DNA helicase 1; minus strand). Cytogenetic location: 17q23.2.
Variant type: single nucleotide variant.
Coding change: c.748A>T on transcript NM_032043.3 (MANE Select); coding-DNA position 748, A replaced by T.
Protein change: p.Thr250Ser; replaces threonine 250 with serine.
Molecular consequence: missense variant.
Genome position (GRCh38, 1-based): chr17:61,808,637, T>A on the plus strand (A>T on the coding strand, the complement: BRIP1 is on the minus strand). VCF-style: chr17-61808637-T-A. GRCh37 (hg19) VCF-style: chr17-59885998-T-A.
Other names: short protein forms T250S.
Identifiers: ClinVar variation 921182 (VCV000921182.12), dbSNP rs2078112756, ClinGen allele CA400484992.
Genomic context (GRCh38, chr17:61,808,637, plus strand): 5'-CTGAATATGCCGTCCTCCGGAGCTCTCTAGTAATCTGAGCAATCTGCTTGTGTGTGCGTG[T>A]CCCAAAATATATTTTGGGTATCTTGGATTTCCCTGTATGATCCTTCTTAATGGTATTCGA-3'
Protein context (NP_114432.2, residues 240-260): KSKIPKIYFG[Thr250Ser]RTHKQIAQIT